The following is an entry in ClinVar:

NC_000009.12:g.70810026T>C

Genes: MIR204 (microRNA 204; minus strand), TRPM3 (transient receptor potential cation channel subfamily M member 3; minus strand). Cytogenetic location: 9q21.12.
Variant type: single nucleotide variant.
Molecular consequence: intron variant (on NM_001366145.2). On other transcripts: non-coding transcript variant (1).
Genome position: GRCh38 VCF-style: chr9-70810026-T-C. GRCh37 (hg19) VCF-style: chr9-73424942-T-C.
Other names: c.979+17821A>G (NM_001366143.2, NM_001366141.2, NM_001366142.2 and 1 more transcripts); c.973+17821A>G (NM_001366150.2, NM_001366151.2, NM_001007471.4 and 4 more transcripts); c.1048+1144A>G (NM_001366148.2, NM_001366152.2, NM_001366147.2); c.514+17821A>G (NM_206944.5, NM_020952.6, NM_206945.5 and 3 more transcripts); c.589+1144A>G (NM_206947.5, NM_206946.5, NM_001007470.3).
Identifiers: ClinVar variation 1975988 (VCV001975988.5), dbSNP rs2539169198, ClinGen allele CA465259943.
Genomic context (GRCh38, chr9:70,810,026, plus strand): 5'-AAAAAAGATGCCAGTGATGACAATTGAACGTCCCTTTGCCTTCCCAGCCTCCTTCATATA[T>C]TCTCAGGCATAGGATGACAAAGGGAAGTCCACGAGTCACATGAAGAAAGACTGTAGCCAT-3'

ClinVar aggregate classification (germline): Uncertain significance (1 of 4 stars; one submission).

Submission:

Labcorp Genetics (formerly Invitae), Labcorp
Classification: Uncertain significance. Last evaluated: 2022-06-23. Review status: criteria provided, single submitter. Criteria: Invitae Variant Classification Sherloc (09022015). Collection method: clinical testing. Allele origin: germline.
Comment: In summary, the available evidence is currently insufficient to determine the role of this variant in disease. Therefore, it has been classified as a Variant of Uncertain Significance. Experimental studies and prediction algorithms are not available or were not evaluated, and the functional significance of this variant is currently unknown. This variant has not been reported in the literature in individuals affected with MIR204-related conditions. This variant is not present in population databases (gnomAD no frequency). This variant occurs in the MIR204 gene, which encodes an RNA molecule that does not result in a protein product.